The following is an entry in ClinVar:

ClinVar aggregate classification (germline): Pathogenic/Likely pathogenic. Review status: criteria provided, multiple submitters, no conflicts (2 of 4 stars). 17 submissions from 17 submitters: Pathogenic (9); Likely pathogenic (6). 2 of the submissions do not count toward it. Last evaluated 2026-06-05.

Conditions:
DHCR7-related disorder. Also called: DHCR7-related condition.
Inborn genetic diseases. Identifiers: MedGen C0950123, MeSH D030342.
Smith-Lemli-Opitz syndrome (SLOS). Also called: LETHAL ACRODYSGENITAL SYNDROME; 7-Dehydrocholesterol reductase deficiency; POLYDACTYLY, SEX REVERSAL, RENAL HYPOPLASIA, AND UNILOBAR LUNG; RSH SYNDROME; RUTLEDGE LETHAL MULTIPLE CONGENITAL ANOMALY SYNDROME. Identifiers: Orphanet 818, MedGen C0175694, MONDO:0010035, OMIM 270400.

Allele frequency attached by ClinVar (database versions not stated): TOPMed 0.00015; ESP Exome Variant Server 0.00038; gnomAD 0.00003; ExAC 0.00008.
gnomAD v4.1: 543 of 1,613,950 alleles (0.034%); highest among the groups gnomAD compares: Non-Finnish European, 0.045%; no homozygotes.

Submissions 1 to 10 of 17:

PreventionGenetics, part of Exact Sciences
Classification: Pathogenic for DHCR7-related condition. Last evaluated: 2026-06-05. Review status: criteria provided, single submitter. Criteria: ACMG Guidelines, 2015. Collection method: clinical testing. Allele origin: germline.
Comment: The DHCR7 c.461C>G variant is predicted to result in the amino acid substitution p.Thr154Arg. This variant has been reported along with a second causative variant in at least three individuals with Smith-Lemli-Opitz syndrome (SLOS) (Correa-Cerro et al. 2005. PubMed ID: 15805162; Scalco et al. 2005. PubMed ID: 15952211; Haas et al. 2007. PubMed ID: 17237122) and in an individual with SLOS without a second potentially causative variant (Witsch-Baumgartner et al. 2001. PubMed ID: 11175299). An alternate nucleotide change affecting the same amino acid (p.Thr154Met) has been reported in the compound heterozygous state in individuals with SLOS (Jezela-Stanek et al. 2008. PubMed ID: 18249054; Krakowiak et al. 2000. PubMed ID: 10995508) and an expression study using HEK293 cells showed the p.Thr154Met substitution leads to <5% expression (Witsch-Baumgartner et al. 2000. PubMed ID: 10677299). This variant is reported in 0.017% of alleles in individuals of European (non-Finnish) descent in gnomAD and has been interpreted in ClinVar as pathogenic/likely pathogenic (ClinVar ID: 166988). This variant is interpreted as pathogenic.

Victorian Clinical Genetics Services, Murdoch Childrens Research Institute
Classification: Pathogenic for Smith-Lemli-Opitz syndrome. Last evaluated: 2026-02-11. Review status: criteria provided, single submitter. Criteria: ACMG Guidelines, 2015. Collection method: clinical testing. Allele origin: germline. Affected: no.
Comment: This variant is classified as Pathogenic. Evidence in support of pathogenic classification: Variant is present in gnomAD (v2) <0.01 for a recessive condition (25 heterozygotes, 0 homozygotes); This variant has strong previous evidence of pathogenicity in unrelated individuals. This variant has been reported in multiple individuals with Smith-Lemli-Opitz syndrome (ClinVar, PMIDs: 11175299, 15952211, 15805162); Another missense variant comparable to the one identified in this case has moderate previous evidence for pathogenicity. An alternative change to methionine has been classified as pathogenic by multiple laboratories in ClinVar; Missense variant consistently predicted to be damaging by multiple in silico tools or highly conserved with a major amino acid change. Additional information: Variant is predicted to result in a missense amino acid change from threonine to arginine; This variant is heterozygous; This gene is associated with autosomal recessive disease; Multiple alternative amino acid changes at the same position have been observed in gnomAD (v2) (highest allele count: 1 heterozygote, 0 homozygotes); Variant is located in the annotated ERG4_ERG24 domain (DECIPHER); Loss of function is a known mechanism of disease in this gene and is associated with Smith-Lemli-Opitz syndrome (MIM#270400); Variants in this gene are known to have variable expressivity. Exceptionally mild and severe cases have been reported, with intra and interfamilial variable expressivity (PMIDs: 35305950, 20301322).

Natera, Inc.
Classification: Pathogenic for Smith-Lemli-Opitz syndrome. Last evaluated: 2026-01-20. Review status: criteria provided, single submitter. Criteria: Natera Variant Classification Schema (03/2026). Collection method: clinical testing. Allele origin: germline.
Comment: The c.461C>G variant in DHCR7 is a missense variant predicted to cause substitution of threonine to arginine at amino acid 154. This variant is rare in the general population with a frequency below the threshold expected for the associated phenotype(s). This variant has been observed in one or more individuals affected with the associated recessive disease, as either homozygous or compound heterozygous with a second variant (PMID: 17237122, 15805162). Computational prediction algorithms indicate this variant is likely to affect gene or protein function. Given the available evidence, this variant is classified as Pathogenic.

Labcorp Genetics (formerly Invitae), Labcorp
Classification: Pathogenic for Smith-Lemli-Opitz syndrome. Last evaluated: 2026-01-12. Review status: criteria provided, single submitter. Criteria: Invitae Variant Classification Sherloc (09022015). Collection method: clinical testing. Allele origin: germline.
Comment: This sequence change replaces threonine, which is neutral and polar, with arginine, which is basic and polar, at codon 154 of the DHCR7 protein (p.Thr154Arg). This variant is present in population databases (rs143312232, gnomAD 0.02%). This missense change has been observed in individual(s) with DHCR7-related conditions (PMID: 15805162, 15952211, 17237122, 20694756). In at least one individual the data is consistent with being in trans (on the opposite chromosome) from a pathogenic variant. ClinVar contains an entry for this variant (Variation ID: 166988). Invitae Evidence Modeling of protein sequence and biophysical properties (such as structural, functional, and spatial information, amino acid conservation, physicochemical variation, residue mobility, and thermodynamic stability) indicates that this missense variant is expected to disrupt DHCR7 protein function with a positive predictive value of 95%. This variant disrupts the p.Thr154 amino acid residue in DHCR7. Other variant(s) that disrupt this residue have been determined to be pathogenic (PMID: 10677299, 10995508, 11427181, 15896653, 18249054, 22391996). This suggests that this residue is clinically significant, and that variants that disrupt this residue are likely to be disease-causing. For these reasons, this variant has been classified as Pathogenic.

Variantyx, Inc.
Classification: Likely pathogenic for Smith-Lemli-Opitz syndrome. Last evaluated: 2025-07-16. Review status: criteria provided, single submitter. Criteria: Variantyx Assertion Criteria 2022. Collection method: clinical testing. Allele origin: germline. Inheritance: Autosomal recessive inheritance. Affected: no.
Comment: This is a nonsynonymous variant in the DHCR7 gene (OMIM: 602858). Pathogenic variants in this gene have been associated with autosomal recessive Smith-Lemli-Opitz syndrome. This variant has been reported in the homozygous or compound heterozygous state in several unrelated affected individuals (PMID: 15805162, 15952211, 17237122, 27401223) (PM3_Strong). Multiple computational algorithms predict a deleterious effect for this variant (REVEL score: 0.894) (PP3) and an alternate amino acid change at this position (p.Thr154Met) has been previously reported in similarly affected individuals, which suggests that this residue is biologically important (PMID: 10677299, 10995508) (PM5). This variant has a 0.0446% maximum allele frequency in non-founder control populations (PM2). Based on the current evidence, this variant is classified as pathogenic for autosomal recessive Smith-Lemli-Opitz syndrome.

GeneDx
Classification: Pathogenic. Last evaluated: 2025-05-13. Review status: criteria provided, single submitter. Criteria: GeneDx Variant Classification Process June 2021. Collection method: clinical testing. Allele origin: germline. Affected: yes.
Comment: In silico analysis supports that this missense variant has a deleterious effect on protein structure/function; This variant is associated with the following publications: (PMID: 20694756, 10995508, 10677299, 29300326, 28166604, 23042628, 15805162, 11175299, 11241839, 15670717, 12914579, 17237122, 15952211, 34426522, 34308104)

Greenwood Genetic Center Diagnostic Laboratories, Greenwood Genetic Center
Classification: Pathogenic for Smith-Lemli-Opitz syndrome. Last evaluated: 2024-11-19. Review status: criteria provided, single submitter. Criteria: ACMG Guidelines, 2015. Collection method: clinical testing. Allele origin: germline. Affected: yes.
Comment: PM1, PM2, PM3_Strong, PM5, PP3

Fulgent Genetics
Classification: Likely pathogenic for Smith-Lemli-Opitz syndrome. Last evaluated: 2024-06-24. Review status: criteria provided, single submitter. Criteria: ACMG Guidelines, 2015. Collection method: clinical testing. Allele origin: germline.

Blueprint Genetics
Classification: Likely pathogenic for DHCR7-related disorders. Last evaluated: 2024-04-30. Review status: criteria provided, single submitter. Criteria: ACMG Guidelines, 2015. Collection method: clinical testing. Allele origin: germline. Affected: yes. Observed: 5 variant alleles.

ARUP Laboratories, Molecular Genetics and Genomics, ARUP Laboratories
Classification: Pathogenic for Smith-Lemli-Opitz syndrome. Last evaluated: 2022-10-21. Review status: criteria provided, single submitter. Criteria: ARUP Molecular Germline Variant Investigation Process 2021. Collection method: clinical testing. Allele origin: germline.

NM_001360.3(DHCR7):c.461C>G (p.Thr154Arg)

Gene: DHCR7 (7-dehydrocholesterol reductase; minus strand). Cytogenetic location: 11q13.4.
Variant type: single nucleotide variant.
Coding change: c.461C>G on transcript NM_001360.3 (MANE Select); coding-DNA position 461, C replaced by G.
Protein change: p.Thr154Arg; replaces threonine 154 with arginine.
Molecular consequence: missense variant.
Genome position (GRCh38, 1-based): chr11:71,441,392, G>C on the plus strand (C>G on the coding strand, the complement: DHCR7 is on the minus strand). VCF-style: chr11-71441392-G-C. GRCh37 (hg19) VCF-style: chr11-71152438-G-C.
Other names: c.461C>G, p.Thr154Arg (NM_001163817.2); short protein forms T154R.
Identifiers: ClinVar variation 166988 (VCV000166988.59), dbSNP rs143312232, ClinGen allele CA233884.